The following is an entry in ClinVar:

NM_014915.3(ANKRD26):c.227G>C (p.Arg76Thr)

Gene: ANKRD26 (ankyrin repeat domain 26; minus strand). Cytogenetic location: 10p12.1.
Variant type: single nucleotide variant.
Coding change: c.227G>C on transcript NM_014915.3 (MANE Select); coding-DNA position 227, G replaced by C.
Protein change: p.Arg76Thr; replaces arginine 76 with threonine.
Molecular consequence: missense variant.
Genome position (GRCh38, 1-based): chr10:27,100,100, C>G on the plus strand (G>C on the coding strand, the complement: ANKRD26 is on the minus strand). VCF-style: chr10-27100100-C-G. GRCh37 (hg19) VCF-style: chr10-27389029-C-G.
Other names: c.227G>C, p.Arg76Thr (NM_001256053.2); short protein forms R76T.
Identifiers: ClinVar variation 2886472 (VCV002886472.4), dbSNP rs1351999946, ClinGen allele CA376369387.
Genomic context (GRCh38, chr10:27,100,100, plus strand): 5'-CGCCTACTCCAGTGGCACTCAGTCCGGGCTTGCGACGCCTATTACCTGTTCATCTTGTCT[C>G]TATCGTTCAAGCCATTCTTCCTGAGCAAAAGGATCTGCTGCACTTTCGCCACATTACCCG-3'
Protein context (NP_055730.2, residues 66-86): LLLRKNGLND[Arg76Thr]DKMNRTALHL

ClinVar aggregate classification (germline): Uncertain significance. Review status: criteria provided, multiple submitters, no conflicts (2 of 4 stars). 2 submissions from 2 submitters: Uncertain significance (2). Last evaluated 2025-06-26.

Conditions:
Inborn genetic diseases. Identifiers: MedGen C0950123, MeSH D030342.

Allele frequency attached by ClinVar (database versions not stated): gnomAD exomes below 0.00001.
gnomAD v4.1: 5 of 1,614,076 alleles (0.00031%); highest among the groups gnomAD compares: Non-Finnish European, 0.00042%; no homozygotes.

Submissions (2):

Ambry Genetics
Classification: Uncertain significance for Inborn genetic diseases. Last evaluated: 2025-06-26. Review status: criteria provided, single submitter. Criteria: Ambry Variant Classification Scheme 2023. Collection method: clinical testing. Allele origin: germline.
Comment: The p.R76T variant (also known as c.227G>C), located in coding exon 1 of the ANKRD26 gene, results from a G to C substitution at nucleotide position 227. The arginine at codon 76 is replaced by threonine, an amino acid with similar properties. This amino acid position is conserved. In addition, this alteration is predicted to be tolerated by in silico analysis. Based on the available evidence, the clinical significance of this variant remains unclear.

Labcorp Genetics (formerly Invitae), Labcorp
Classification: Uncertain significance. Last evaluated: 2023-02-16. Review status: criteria provided, single submitter. Criteria: Invitae Variant Classification Sherloc (09022015). Collection method: clinical testing. Allele origin: germline.
Comment: This sequence change replaces arginine, which is basic and polar, with threonine, which is neutral and polar, at codon 76 of the ANKRD26 protein (p.Arg76Thr). In summary, the available evidence is currently insufficient to determine the role of this variant in disease. Therefore, it has been classified as a Variant of Uncertain Significance. An algorithm developed to predict the effect of missense changes on protein structure and function (PolyPhen-2) suggests that this variant is likely to be tolerated. This variant has not been reported in the literature in individuals affected with ANKRD26-related conditions. This variant is present in population databases (no rsID available, gnomAD 0.0009%).